The following is an entry in ClinVar:

NM_001040108.2(MLH3):c.2984T>C (p.Ile995Thr)

Gene: MLH3 (mutL homolog 3; minus strand). Cytogenetic location: 14q24.3.
Variant type: single nucleotide variant.
Coding change: c.2984T>C on transcript NM_001040108.2 (MANE Select); coding-DNA position 2984, T replaced by C.
Protein change: p.Ile995Thr; replaces isoleucine 995 with threonine.
Molecular consequence: missense variant.
Genome position (GRCh38, 1-based): chr14:75,046,672, A>G on the plus strand (T>C on the coding strand, the complement: MLH3 is on the minus strand). VCF-style: chr14-75046672-A-G. GRCh37 (hg19) VCF-style: chr14-75513375-A-G.
Other names: c.2984T>C, p.Ile995Thr (NM_014381.3); short protein forms I995T.
Identifiers: ClinVar variation 1992185 (VCV001992185.5), dbSNP rs770167451, ClinGen allele CA263647837.

ClinVar aggregate classification (germline): Conflicting classifications of pathogenicity. Review status: criteria provided, conflicting classifications (1 of 4 stars). 2 submissions from 2 submitters: Uncertain significance (1); Likely benign (1). Last evaluated 2025-07-02.

Conditions:
Colorectal cancer, hereditary nonpolyposis, type 7. Identifiers: Orphanet 144, MedGen C1858380, MONDO:0013725, OMIM 614385.

Allele frequency attached by ClinVar (database versions not stated): gnomAD exomes below 0.00001.
gnomAD v4.1: 6 of 1,614,172 alleles (0.00037%); highest among the groups gnomAD compares: Middle Eastern, 0.016%; no homozygotes.

Submissions (2):

Ambry Genetics
Classification: Likely benign. Last evaluated: 2025-07-02. Review status: criteria provided, single submitter. Criteria: Ambry Variant Classification Scheme 2023. Collection method: clinical testing. Allele origin: germline.

Labcorp Genetics (formerly Invitae), Labcorp
Classification: Uncertain significance for Colorectal cancer, hereditary nonpolyposis, type 7. Last evaluated: 2022-03-12. Review status: criteria provided, single submitter. Criteria: Invitae Variant Classification Sherloc (09022015). Collection method: clinical testing. Allele origin: germline.
Comment: This variant has not been reported in the literature in individuals affected with MLH3-related conditions. This sequence change replaces isoleucine, which is neutral and non-polar, with threonine, which is neutral and polar, at codon 995 of the MLH3 protein (p.Ile995Thr). This variant is present in population databases (rs770167451, gnomAD no frequency). Algorithms developed to predict the effect of missense changes on protein structure and function output the following: SIFT: "Tolerated"; PolyPhen-2: "Benign"; Align-GVGD: "Class C0". The threonine amino acid residue is found in multiple mammalian species, which suggests that this missense change does not adversely affect protein function. In summary, the available evidence is currently insufficient to determine the role of this variant in disease. Therefore, it has been classified as a Variant of Uncertain Significance.